The following is an entry in ClinVar:

NM_020639.3(RIPK4):c.2323G>A (p.Ala775Thr)

Gene: RIPK4 (receptor interacting serine/threonine kinase 4; minus strand). Cytogenetic location: 21q22.3.
Variant type: single nucleotide variant.
Coding change: c.2323G>A on transcript NM_020639.3 (MANE Select); coding-DNA position 2323, G replaced by A.
Protein change: p.Ala775Thr; replaces alanine 775 with threonine.
Molecular consequence: missense variant.
Genome position (GRCh38, 1-based): chr21:41,740,870, C>T on the plus strand (G>A on the coding strand, the complement: RIPK4 is on the minus strand). VCF-style: chr21-41740870-C-T. GRCh37 (hg19) VCF-style: chr21-43161030-C-T.
Other names: short protein forms A775T.
Identifiers: ClinVar variation 736336 (VCV000736336.10), dbSNP rs142879262, ClinGen allele CA10035072.

ClinVar aggregate classification (germline): Benign/Likely benign. Review status: criteria provided, multiple submitters, no conflicts (2 of 4 stars). 4 submissions from 4 submitters: Benign (1); Likely benign (2). 1 of the submissions does not count toward it. Last evaluated 2024-02-05.

Conditions:
Inborn genetic diseases. Identifiers: MedGen C0950123, MeSH D030342.
Bartsocas-Papas syndrome 1. Also called: MULTIPLE PTERYGIUM SYNDROME, ASLAN TYPE; Bartsocas-Papas syndrome; PTERYGIUM, POPLITEAL, LETHAL TYPE. Identifiers: Orphanet 1234, MedGen C1849718, MONDO:0009901, OMIM 263650.
RIPK4-related disorder. Also called: RIPK4-related condition.

Allele frequency attached by ClinVar (database versions not stated): 1000 Genomes Project 30x 0.00016; 1000 Genomes Project 0.00020; gnomAD exomes 0.00031 and 0.00051; TOPMed 0.00035; gnomAD 0.00038 and 0.00043; ESP Exome Variant Server 0.00054; ExAC 0.00065.
gnomAD v4.1: 538 of 1,609,832 alleles (0.033%); highest among the groups gnomAD compares: South Asian, 0.36%; 5 homozygotes.

Submissions (4):

Ambry Genetics
Classification: Likely benign for Inborn genetic diseases. Last evaluated: 2024-02-05. Review status: criteria provided, single submitter. Criteria: Ambry Variant Classification Scheme 2023. Collection method: clinical testing. Allele origin: germline.

Labcorp Genetics (formerly Invitae), Labcorp
Classification: Benign. Last evaluated: 2019-12-31. Review status: criteria provided, single submitter. Criteria: Invitae Variant Classification Sherloc (09022015). Collection method: clinical testing. Allele origin: germline.

Illumina Laboratory Services, Illumina
Classification: Likely benign for Bartsocas-Papas syndrome 1. Last evaluated: 2018-01-13. Review status: criteria provided, single submitter. Criteria: ICSL Variant Classification Criteria 13 December 2019. Collection method: clinical testing. Allele origin: germline.
Comment: This variant was observed in the ICSL laboratory as part of a predisposition screen in an ostensibly healthy population. It had not been previously curated by ICSL or reported in the Human Gene Mutation Database (HGMD: prior to June 1st, 2018), and was therefore a candidate for classification through an automated scoring system. Utilizing variant allele frequency, disease prevalence and penetrance estimates, and inheritance mode, an automated score was calculated to assess if this variant is too frequent to cause the disease. Based on the score and internal cut-off values, a variant classified as likely benign is not then subjected to further curation. The score for this variant resulted in a classification of likely benign for this disease.

PreventionGenetics, part of Exact Sciences
Classification: Likely benign for RIPK4-related condition. Last evaluated: 2024-09-26. Review status: no assertion criteria provided. Collection method: clinical testing. Allele origin: germline. Not counted in ClinVar's aggregate classification.
Comment: This variant is classified as likely benign based on ACMG/AMP sequence variant interpretation guidelines (Richards et al. 2015 PMID: 25741868, with internal and published modifications).